The following is an entry in ClinVar:

ClinVar aggregate classification (germline): Uncertain significance (1 of 4 stars; one submission).

gnomAD v4.1: 1 of 1,611,610 alleles (0.000062%); highest among the groups gnomAD compares: Non-Finnish European, 0.000085%; no homozygotes.

Submission:

Ambry Genetics
Classification: Uncertain significance. Last evaluated: 2026-02-23. Review status: criteria provided, single submitter. Criteria: Ambry Variant Classification Scheme 2023. Collection method: clinical testing. Allele origin: germline.
Comment: The p.D1988E variant (also known as c.5964C>A), located in coding exon 24 of the WNK2 gene, results from a C to A substitution at nucleotide position 5964. The aspartic acid at codon 1988 is replaced by glutamic acid, an amino acid with highly similar properties. This amino acid position is conserved. In addition, this alteration is predicted to be tolerated by in silico analysis. Based on the available evidence, the clinical significance of this variant remains unclear.

NM_006648.4(WNK2):c.5964C>A (p.Asp1988Glu)

Gene: WNK2 (WNK lysine deficient protein kinase 2; plus strand). Cytogenetic location: 9q22.31.
Variant type: single nucleotide variant.
Coding change: c.5964C>A on transcript NM_006648.4 (MANE Select); coding-DNA position 5964, C replaced by A.
Protein change: p.Asp1988Glu; replaces aspartic acid 1988 with glutamic acid.
Molecular consequence: missense variant.
Genome position (GRCh38, 1-based): chr9:93,299,110, C>A. VCF-style: chr9-93299110-C-A. GRCh37 (hg19) VCF-style: chr9-96061392-C-A.
Other names: c.6075C>A, p.Asp2025Glu (NM_001282394.3); short protein forms D1988E, D2025E.
Identifiers: ClinVar variation 4826210 (VCV004826210.1).